The following is an entry in ClinVar:

NM_024675.4(PALB2):c.1429del (p.Thr477fs)

Gene: PALB2 (partner and localizer of BRCA2; minus strand). Cytogenetic location: 16p12.2.
Variant type: Deletion.
Coding change: c.1429del on transcript NM_024675.4 (MANE Select); coding-DNA position 1429, one base deleted (A; older notation c.1429delA).
Protein change: p.Thr477fs; shifts the reading frame from threonine 477.
Molecular consequence: frameshift variant.
Genome position (GRCh38, 1-based): chr16:23,635,117, T deleted on the plus strand (A on the coding strand, the reverse complement: PALB2 is on the minus strand); the first of 2 consecutive T bases (chr16:23,635,117-23,635,118); deleting either gives the same sequence. VCF-style (leftmost placement, unchanged base first): chr16-23635116-GT-G. GRCh37 (hg19) VCF-style: chr16-23646437-GT-G.
Other names: c.1429delA (NM_024675.3); short protein forms T477fs.
Identifiers: ClinVar variation 484235 (VCV000484235.12), dbSNP rs1555461287, ClinGen allele CA658658424.

ClinVar aggregate classification (germline): Pathogenic. Review status: criteria provided, multiple submitters, no conflicts (2 of 4 stars). 2 submissions from 2 submitters: Pathogenic (2). Last evaluated 2021-04-09.

Conditions:
Hereditary cancer-predisposing syndrome. Also called: Neoplastic Syndromes, Hereditary; Tumor predisposition; Hereditary Cancer Syndrome; Hereditary neoplastic syndrome. Identifiers: Orphanet 140162, MedGen C0027672, MeSH D009386, MONDO:0015356.
Familial cancer of breast. Also called: BREAST CANCER, FAMILIAL; Hereditary breast cancer; hereditary breast carcinoma. Identifiers: Orphanet 227535, MedGen C0346153, MONDO:0016419, OMIM 114480. Disease mechanism: loss of function.

Submissions (2):

Labcorp Genetics (formerly Invitae), Labcorp
Classification: Pathogenic for Familial cancer of breast. Last evaluated: 2021-04-09. Review status: criteria provided, single submitter. Criteria: Invitae Variant Classification Sherloc (09022015). Collection method: clinical testing. Allele origin: germline.
Comment: This variant has not been reported in the literature in individuals with PALB2-related conditions. ClinVar contains an entry for this variant (Variation ID: 484235). For these reasons, this variant has been classified as Pathogenic. This variant is not present in population databases (ExAC no frequency). This sequence change creates a premature translational stop signal (p.Thr477Profs*8) in the PALB2 gene. It is expected to result in an absent or disrupted protein product. Loss-of-function variants in PALB2 are known to be pathogenic (PMID: 17200668, 24136930, 25099575).

Ambry Genetics
Classification: Pathogenic for Hereditary cancer-predisposing syndrome. Last evaluated: 2017-06-29. Review status: criteria provided, single submitter. Criteria: Ambry Variant Classification Scheme 2023. Collection method: clinical testing. Allele origin: germline.
Comment: The c.1429delA pathogenic mutation, located in coding exon 4 of the PALB2 gene, results from a deletion of one nucleotide at nucleotide position 1429, causing a translational frameshift with a predicted alternate stop codon (p.T477Pfs*8). This alteration is expected to result in loss of function by premature protein truncation or nonsense-mediated mRNA decay. As such, this alteration is interpreted as a disease-causing mutation.

Literature cited by the submitters: PubMed 17200668 (cited by Labcorp Genetics (formerly Invitae), Labcorp); PubMed 24136930 (cited by Labcorp Genetics (formerly Invitae), Labcorp); PubMed 25099575 (cited by Labcorp Genetics (formerly Invitae), Labcorp).